The following is an entry in ClinVar:

NM_000152.5(GAA):c.658G>T (p.Val220Leu)

Gene: GAA (alpha glucosidase; plus strand). Cytogenetic location: 17q25.3.
Variant type: single nucleotide variant.
Coding change: c.658G>T on transcript NM_000152.5 (MANE Select); coding-DNA position 658, G replaced by T.
Protein change: p.Val220Leu; replaces valine 220 with leucine.
Molecular consequence: missense variant.
Genome position (GRCh38, 1-based): chr17:80,105,860, G>T. VCF-style: chr17-80105860-G-T. GRCh37 (hg19) VCF-style: chr17-78079659-G-T.
Other names: c.658G>T (LRG_673t1); c.658G>T, p.Val220Leu (NM_001079803.3, NM_001079804.3); short protein forms V220L.
Identifiers: ClinVar variation 255365 (VCV000255365.14), dbSNP rs530478036, ClinGen allele CA8814955.
Genomic context (GRCh38, chr17:80,105,860, plus strand): 5'-GTCCACAGCCGGGCACCGTCCCCACTCTACAGCGTGGAGTTCTCCGAGGAGCCCTTCGGG[G>T]TGATCGTGCGCCGGCAGCTGGACGGCCGCGTGCTGTGAGTTCTGGGCTCTGTGCCAGCAT-3'
Protein context (NP_000143.2, residues 210-230): SVEFSEEPFG[Val220Leu]IVRRQLDGRV

ClinVar aggregate classification (germline): Likely benign. Review status: reviewed by expert panel (3 of 4 stars). 7 submissions from 7 submitters: Likely benign (1). 6 of the submissions do not count toward it. Last evaluated 2023-04-04.

Conditions:
Cardiovascular phenotype. Identifiers: MedGen CN230736.
Glycogen storage disease, type II (IOPD). Also called: Glucosidase acid-1,4-alpha deficiency; CARDIOMEGALIA GLYCOGENICA DIFFUSA; GLYCOGENOSIS, GENERALIZED, CARDIAC FORM; GSD II; Glycogen storage disease type 2; Acid maltase deficiency disease. Identifiers: Orphanet 365, MedGen C0017921, MONDO:0009290, OMIM 232300.

Allele frequency attached by ClinVar (database versions not stated): ExAC 0.00002; TOPMed 0.00003; gnomAD 0.00007; gnomAD exomes 0.00008.
gnomAD v4.1: 77 of 1,605,494 alleles (0.0048%); highest among the groups gnomAD compares: East Asian, 0.04%; no homozygotes.

Submissions (7):

ClinGen Lysosomal Storage Disorder Variant Curation Expert Panel
Classification: Likely benign for Glycogen storage disease, type II. Last evaluated: 2023-04-04. Review status: reviewed by expert panel. Criteria: clingen_lsd_acmg_specifications_v2-1. Collection method: curation. Allele origin: germline. Inheritance: Autosomal recessive inheritance.
Comment: The NM_000152.5:c.658G>T variant is GAA is a missense variant that is predicted to result in the substitution of valine by leucine at amino acid 220 (p.Val220Leu). The highest population minor allele frequency in gnomAD v2.1.1 is 0.00075 (15/19928 alleles) in the East Asian population which is lower than the ClinGen LSD VCEP threshold (<0.001) for PM2_Supporting, meeting this criterion (PM2_Supporting). When expressed in COS-7 cells, this variant results in normal GAA activity, and the protein is normally synthesized and/or processed (PMID 22644586) (BS3_Supporting). The computational predictor REVEL gives a score of 0.305 which is below the threshold of 0.5, evidence that does not predict a damaging effect on GAA function. No impact on splicing is predicted by SpliceAI (BP4). The variant has been reported in an individual with either suspected Pompe disease or a known carrier, but further details are not available (PMID 22644586). There is a ClinVar entry for this variant (Variation ID: 255365). While there is conflicting evidence, overall, the benign evidence, including functional studies (BS3_Supporting) and in silico data (BP4), outweighs the pathogenic evidence (PM2_Supporting). Therefore, the variant has been classified as likely benign. GAA-specific ACMG/AMP criteria met, based on the specifications of the ClinGen Lysosomal Diseases VCEP (Specifications Version 2.0): PM2_Supporting, BP4, BS3_Supporting (modified classification: likely benign, approved by ClinGen Lysosomal Diseases Variant Curation Expert Panel, April 4, 2023).

Genomenon, Inc
Classification: Likely benign for Glycogen storage disease, type II. Last evaluated: 2026-07-01. Review status: criteria provided, single submitter. Criteria: Genomenon Sequence Variant Interpretation Standards - Updated. Collection method: curation. Allele origin: germline. Affected: no. Not counted in ClinVar's aggregate classification.
Comment: GAA p.Val220Leu (c.658G>T) is a missense variant that changes the amino acid at codon 220 from Valine to Leucine. This variant has been reported in the published literature (PMID:22644586;31228295). Well-established functional studies show no damaging effect of this variant on protein function, supporting a benign classification (PMID:22644586). It is absent or not present at a significant frequency in gnomAD. In silico models predict that this variant is not damaging. In conclusion, we classify GAA p.Val220Leu (c.658G>T) as a likely benign variant.

Labcorp Genetics (formerly Invitae), Labcorp
Classification: Uncertain significance for Glycogen storage disease, type II. Last evaluated: 2022-10-31. Review status: criteria provided, single submitter. Criteria: Invitae Variant Classification Sherloc (09022015). Collection method: clinical testing. Allele origin: germline. Not counted in ClinVar's aggregate classification.
Comment: This sequence change replaces valine, which is neutral and non-polar, with leucine, which is neutral and non-polar, at codon 220 of the GAA protein (p.Val220Leu). This variant is present in population databases (rs530478036, gnomAD 0.07%). This missense change has been observed in individual(s) with GAA-related disease (PMID: 22644586). ClinVar contains an entry for this variant (Variation ID: 255365). Advanced modeling of protein sequence and biophysical properties (such as structural, functional, and spatial information, amino acid conservation, physicochemical variation, residue mobility, and thermodynamic stability) performed at Invitae indicates that this missense variant is not expected to disrupt GAA protein function. Experimental studies have shown that this missense change does not substantially affect GAA function (PMID: 22644586). In summary, the available evidence is currently insufficient to determine the role of this variant in disease. Therefore, it has been classified as a Variant of Uncertain Significance.

Fulgent Genetics
Classification: Uncertain significance for Glycogen storage disease, type II. Last evaluated: 2021-09-09. Review status: criteria provided, single submitter. Criteria: ACMG Guidelines, 2015. Collection method: clinical testing. Allele origin: unknown. Not counted in ClinVar's aggregate classification.

Ambry Genetics
Classification: Uncertain significance for Cardiovascular phenotype. Last evaluated: 2021-02-10. Review status: criteria provided, single submitter. Criteria: Ambry Variant Classification Scheme 2023. Collection method: clinical testing. Allele origin: germline. Not counted in ClinVar's aggregate classification.
Comment: The p.V220L variant (also known as c.658G>T), located in coding exon 2 of the GAA gene, results from a G to T substitution at nucleotide position 658. The valine at codon 220 is replaced by leucine, an amino acid with highly similar properties. This variant was reported in a cohort of known or suspected Pompe disease cases; however, studies suggested no significant functional impact (Kroos M et al. Hum Mutat, 2012 Aug;33:1161-5). This amino acid position is poorly conserved in available vertebrate species. In addition, this alteration is predicted to be tolerated by in silico analysis. Since supporting evidence is limited at this time, the clinical significance of this alteration remains unclear.

PreventionGenetics, part of Exact Sciences
Classification: Likely benign. Review status: criteria provided, single submitter. Criteria: ACMG Guidelines, 2015. Collection method: clinical testing. Allele origin: germline. Not counted in ClinVar's aggregate classification.

Natera, Inc.
Classification: Uncertain significance for Glycogen storage disease type II. Last evaluated: 2020-09-16. Review status: no assertion criteria provided. Collection method: clinical testing. Allele origin: germline. Not counted in ClinVar's aggregate classification.

Literature cited by the submitters: PubMed 22644586 (cited by 4 submitters); PubMed 31228295 (cited by Genomenon, Inc).